The following is an entry in ClinVar:

ClinVar aggregate classification (germline): Conflicting classifications of pathogenicity. Review status: criteria provided, conflicting classifications (1 of 4 stars). 5 submissions from 5 submitters: Pathogenic (1); Likely pathogenic (1); Uncertain significance (1). 2 of the submissions do not count toward it. Last evaluated 2025-08-05.

Conditions:
Congenital pontocerebellar hypoplasia. Identifiers: MedGen C0266468, MeSH C580383.
Pontocerebellar hypoplasia, type 14. Identifiers: Orphanet 613274, MedGen C5543322, MONDO:0030258, OMIM 619301.

Allele frequency attached by ClinVar (database versions not stated): gnomAD 0.00001 and 0.00002; TOPMed 0.00003; gnomAD exomes 0.00006 and 0.00008; ExAC 0.00011; 1000 Genomes Project 30x 0.00016; 1000 Genomes Project 0.00020.
gnomAD v4.1: 83 of 1,614,078 alleles (0.0051%); highest among the groups gnomAD compares: Middle Eastern, 0.033%; no homozygotes.

Submissions (5):

Unidad de Genómica Garrahan, Hospital de Pediatría Garrahan
Classification: Likely pathogenic for Pontocerebellar hypoplasia, type 14. Last evaluated: 2025-08-05. Review status: criteria provided, single submitter. Criteria: ACMG Guidelines, 2015. Collection method: clinical testing. Allele origin: germline. Affected: yes.
Comment: Low frequency in gnomAD population databases (PM2_sup). Variant is located in a mutational hotspot (PM1_mod).

GeneDx
Classification: Pathogenic. Last evaluated: 2024-12-11. Review status: criteria provided, single submitter. Criteria: GeneDx Variant Classification Process June 2021. Collection method: clinical testing. Allele origin: germline. Affected: yes.
Comment: Published functional studies demonstrate a damaging effect of decreased protein level (PMID: 33220177); In silico analysis supports that this missense variant has a deleterious effect on protein structure/function; This variant is associated with the following publications: (PMID: 33220177)

Laboratory for Molecular Medicine, Mass General Brigham Personalized Medicine
Classification: Uncertain significance. Last evaluated: 2019-05-02. Review status: criteria provided, single submitter. Criteria: LMM Criteria. Collection method: clinical testing. Allele origin: germline. Observed: 3 variant alleles.
Comment: Variant classified as Uncertain Significance - Favor Pathogenic. The p.Thr127Ala variant was identified with a canonical splice variant (phase not determined) in another family with two relatives with a neurodevelopmental phenotype consisting of profound global developmental delays, abnormal muscle tone, and intractable seizures (Gleeson et al, unpublished data). It was also identified in this family in a compound heterozygous state with a loss of function variant in two siblings with profound global developmental delays, microcephaly, intractable seizures, hypotonia, hypoplasia of the corpus callosum, and cortical vision impairment by the Broad Institute Rare Genomes Project. In vitro functional studies of p.Thr127Ala demonstrate a reduction of protein levels in cultured cells (Joseph Gleeson laboratory, UC San Diego, unpublished data) although this observation may not represent disrupted biological function. This variant has been identified in 0.014% of non-Finnish European chromosomes by the Genome Aggregation Database (gnomAD). Computational prediction tools and amino acid conservation analysis suggest that the p.Thr127Ala variant may impact the protein, though this information is not predictive enough to determine pathogenicity through a protein sequence change. Currently, there is moderate evidence to support an association between PPIL1 and a severe neurodevelopmental phenotype. In summary, while there is suspicion for a pathogenic role, the clinical significance of the p.Thr127Ala variant remains uncertain. ACMG/AMP Criteria applied: PS3_Moderate, PM2_Supporting, PP3.

OMIM
Classification: Pathogenic for PONTOCEREBELLAR HYPOPLASIA, TYPE 14. Last evaluated: 2021-04-30. Review status: no assertion criteria provided. Collection method: literature only. Allele origin: germline. Not counted in ClinVar's aggregate classification.

Yale Center for Mendelian Genomics, Yale University
Classification: Likely pathogenic for Congenital pontocerebellar hypoplasia. Last evaluated: 2021-01-20. Review status: no assertion criteria provided. Collection method: literature only. Allele origin: germline. Affected: yes. Observed: 1 compound heterozygote. Study: Yale Center for Mendelian Genomics. Not counted in ClinVar's aggregate classification.

Literature cited by the submitters: PubMed 33220177 (cited by Yale Center for Mendelian Genomics, Yale University).

NM_016059.5(PPIL1):c.379A>G (p.Thr127Ala)

Gene: PPIL1 (peptidylprolyl isomerase like 1; minus strand). Cytogenetic location: 6p21.2.
Variant type: single nucleotide variant.
Coding change: c.379A>G on transcript NM_016059.5 (MANE Select); coding-DNA position 379, A replaced by G.
Protein change: p.Thr127Ala; replaces threonine 127 with alanine.
Molecular consequence: missense variant.
Genome position (GRCh38, 1-based): chr6:36,855,935, T>C on the plus strand (A>G on the coding strand, the complement: PPIL1 is on the minus strand). VCF-style: chr6-36855935-T-C. GRCh37 (hg19) VCF-style: chr6-36823711-T-C.
Other names: short protein forms T127A.
Identifiers: ClinVar variation 930026 (VCV000930026.11), dbSNP rs553128312, ClinGen allele CA3781419.
Genomic context (GRCh38, chr6:36,855,935, plus strand): 5'-TTTCTACCATTCCCACGCGATTCACCATTCCTATGCCCTGACACACTCGGCCAAAAATGG[T>C]GTGTTTGCCGTCAAGCCACTGGGTGGGGGCGAGGGTCACAAAGAACTGGCTGCCATTGGT-3'
Protein context (NP_057143.1, residues 117-137): APTQWLDGKH[Thr127Ala]IFGRVCQGIG